The following is an entry in ClinVar:

ClinVar aggregate classification (germline): Uncertain significance (1 of 4 stars; one submission).

Conditions:
Idiopathic Pulmonary Fibrosis. Also called: Idiopathic fibrosing alveolitis, chronic form; idiopathic fibrosing alveolitis. Identifiers: Orphanet 2032, MedGen C1800706, MeSH D054990, MONDO:0800504.
Dyskeratosis congenita, autosomal dominant 2. Identifiers: MedGen C3151443, MONDO:0013521, OMIM 613989.

Allele frequency attached by ClinVar (database versions not stated): gnomAD exomes below 0.00001; TOPMed below 0.00001.
gnomAD v4.1: 2 of 1,614,152 alleles (0.00012%); highest among the groups gnomAD compares: Non-Finnish European, 0.00017%; no homozygotes.

Submission:

Labcorp Genetics (formerly Invitae), Labcorp
Classification: Uncertain significance for Dyskeratosis congenita, autosomal dominant 2; Idiopathic Pulmonary Fibrosis. Last evaluated: 2021-09-02. Review status: criteria provided, single submitter. Criteria: Invitae Variant Classification Sherloc (09022015). Collection method: clinical testing. Allele origin: germline.
Comment: This sequence change replaces leucine with phenylalanine at codon 1042 of the TERT protein (p.Leu1042Phe). The leucine residue is weakly conserved and there is a small physicochemical difference between leucine and phenylalanine. This variant is not present in population databases (ExAC no frequency). This variant has not been reported in the literature in individuals affected with TERT-related conditions. Algorithms developed to predict the effect of missense changes on protein structure and function (SIFT, PolyPhen-2, Align-GVGD) all suggest that this variant is likely to be tolerated. In summary, the available evidence is currently insufficient to determine the role of this variant in disease. Therefore, it has been classified as a Variant of Uncertain Significance.

NM_198253.3(TERT):c.3124C>T (p.Leu1042Phe)

Gene: TERT (telomerase reverse transcriptase; minus strand). Cytogenetic location: 5p15.33.
Variant type: single nucleotide variant.
Coding change: c.3124C>T on transcript NM_198253.3 (MANE Select); coding-DNA position 3124, C replaced by T.
Protein change: p.Leu1042Phe; replaces leucine 1042 with phenylalanine.
Molecular consequence: missense variant. On other transcripts: non-coding transcript variant (2).
Genome position (GRCh38, 1-based): chr5:1,255,320, G>A on the plus strand (C>T on the coding strand, the complement: TERT is on the minus strand). VCF-style: chr5-1255320-G-A. GRCh37 (hg19) VCF-style: chr5-1255435-G-A.
Other names: c.2935C>T, p.Leu979Phe (NM_001193376.3); short protein forms L1042F, L979F.
Identifiers: ClinVar variation 950373 (VCV000950373.7), dbSNP rs1333205745, ClinGen allele CA359068102.